The following is an entry in ClinVar:

NM_000466.3(PEX1):c.32G>T (p.Gly11Val)

Genes: PEX1 (peroxisomal biogenesis factor 1; minus strand), LOC129998796 (ATAC-STARR-seq lymphoblastoid silent region 18372; plus strand). Cytogenetic location: 7q21.2.
Variant type: single nucleotide variant.
Coding change: c.32G>T on transcript NM_000466.3 (MANE Select); coding-DNA position 32, G replaced by T.
Protein change: p.Gly11Val; replaces glycine 11 with valine.
Molecular consequence: missense variant. On other transcripts: 5 prime UTR variant (1).
Genome position (GRCh38, 1-based): chr7:92,528,404, C>A on the plus strand (G>T on the coding strand, the complement: PEX1 is on the minus strand). VCF-style: chr7-92528404-C-A. GRCh37 (hg19) VCF-style: chr7-92157718-C-A.
Other names: c.32G>T, p.Gly11Val (NM_001282677.2); c.-628G>T (NM_001282678.2); short protein forms G11V.
Identifiers: ClinVar variation 2130777 (VCV002130777.4), dbSNP rs1793403052, ClinGen allele CA368207492.

ClinVar aggregate classification (germline): Uncertain significance (1 of 4 stars; one submission).

Conditions:
Zellweger spectrum disorders (ZS). Also called: Zellweger Spectrum Disorder (ZSD); Zellweger syndrome; Zellweger Spectrum Disorder; Zellweger Spectrum. Identifiers: Orphanet 912, MedGen C0043459, MONDO:0019609.

Submission:

Labcorp Genetics (formerly Invitae), Labcorp
Classification: Uncertain significance for Zellweger spectrum disorders. Last evaluated: 2022-03-13. Review status: criteria provided, single submitter. Criteria: Invitae Variant Classification Sherloc (09022015). Collection method: clinical testing. Allele origin: germline.
Comment: This variant has not been reported in the literature in individuals affected with PEX1-related conditions. This variant is not present in population databases (gnomAD no frequency). This sequence change replaces glycine, which is neutral and non-polar, with valine, which is neutral and non-polar, at codon 11 of the PEX1 protein (p.Gly11Val). In summary, the available evidence is currently insufficient to determine the role of this variant in disease. Therefore, it has been classified as a Variant of Uncertain Significance. Algorithms developed to predict the effect of missense changes on protein structure and function are either unavailable or do not agree on the potential impact of this missense change (SIFT: "Deleterious"; PolyPhen-2: "Benign"; Align-GVGD: "Class C0").